The following is an entry in ClinVar:

NM_004699.4(FAM50A):c.916G>A (p.Val306Met)

Gene: FAM50A (family with sequence similarity 50 member A; plus strand). Cytogenetic location: Xq28.
Variant type: single nucleotide variant.
Coding change: c.916G>A on transcript NM_004699.4 (MANE Select); coding-DNA position 916, G replaced by A.
Protein change: p.Val306Met; replaces valine 306 with methionine.
Molecular consequence: missense variant.
Genome position (GRCh38, 1-based): chrX:154,450,224, G>A. VCF-style: chrX-154450224-G-A. GRCh37 (hg19) VCF-style: chrX-153678572-G-A.
Other names: short protein forms V306M.
Identifiers: ClinVar variation 3900219 (VCV003900219.1).

ClinVar aggregate classification (germline): Uncertain significance (1 of 4 stars; one submission).

Submission:

GeneDx
Classification: Uncertain significance. Last evaluated: 2024-11-20. Review status: criteria provided, single submitter. Criteria: GeneDx Variant Classification Process June 2021. Collection method: clinical testing. Allele origin: germline. Affected: yes.
Comment: Not observed at significant frequency in large population cohorts (gnomAD); In silico analysis supports that this missense variant has a deleterious effect on protein structure/function; Has not been previously published as pathogenic or benign to our knowledge